The following is an entry in ClinVar:

NM_053025.4(MYLK):c.5501G>C (p.Gly1834Ala)

Genes: MYLK-AS1 (MYLK antisense RNA 1; plus strand), MYLK (myosin light chain kinase; minus strand). Cytogenetic location: 3q21.1.
Variant type: single nucleotide variant.
Coding change: c.5501G>C on transcript NM_053025.4 (MANE Select); coding-DNA position 5501, G replaced by C.
Protein change: p.Gly1834Ala; replaces glycine 1834 with alanine.
Molecular consequence: missense variant.
Genome position (GRCh38, 1-based): chr3:123,614,349, C>G on the plus strand (G>C on the coding strand, the complement: MYLK is on the minus strand). VCF-style: chr3-123614349-C-G. GRCh37 (hg19) VCF-style: chr3-123333196-C-G.
Other names: c.4973G>C, p.Gly1658Ala (NM_001321309.2); c.5294G>C, p.Gly1765Ala (NM_053026.4); c.5348G>C, p.Gly1783Ala (NM_053027.4); c.5141G>C, p.Gly1714Ala (NM_053028.4); c.218G>C, p.Gly73Ala (NM_053031.4); c.221G>C, p.Gly74Ala (NM_053032.4); short protein forms G74A, G1714A, G1834A, G73A, G1658A, G1783A, G1765A.
Identifiers: ClinVar variation 2452963 (VCV002452963.3), dbSNP rs2472735503, ClinGen allele CA354229730.
Genomic context (GRCh38, chr3:123,614,349, plus strand): 5'-TGGCGGGACTCCCTGATTGACTGGTCATCTTTGAACCAGACAACCTCGGGGTCTGGGTAT[C>G]CTGCATCACAGGGAGAGAACACAAGTTGCAGGAACTGTTATTCAAAATTTCTTATCAACT-3'
Protein context (NP_444253.3, residues 1824-1844): SAARFDCKIE[Gly1834Ala]YPDPEVVWFK

ClinVar aggregate classification (germline): Uncertain significance. Review status: criteria provided, multiple submitters, no conflicts (2 of 4 stars). 2 submissions from 2 submitters: Uncertain significance (2). Last evaluated 2025-11-05.

Conditions:
Aortic aneurysm, familial thoracic 7 (AAT7). Also called: AORTIC DISSECTION, FAMILIAL, WITH OR WITHOUT AORTIC ANEURYSM. Identifiers: MedGen C3151077, MONDO:0013418, OMIM 613780.
Familial thoracic aortic aneurysm and aortic dissection (TAAD). Also called: Thoracic aortic aneurysms and dissections. Identifiers: Orphanet 91387, MedGen C4707243, MONDO:0019625.

Submissions (2):

Labcorp Genetics (formerly Invitae), Labcorp
Classification: Uncertain significance for Aortic aneurysm, familial thoracic 7. Last evaluated: 2025-11-05. Review status: criteria provided, single submitter. Criteria: Invitae Variant Classification Sherloc (09022015). Collection method: clinical testing. Allele origin: germline.
Comment: This sequence change replaces glycine, which is neutral and non-polar, with alanine, which is neutral and non-polar, at codon 1834 of the MYLK protein (p.Gly1834Ala). This variant is not present in population databases (gnomAD no frequency). This variant has not been reported in the literature in individuals affected with MYLK-related conditions. ClinVar contains an entry for this variant (Variation ID: 2452963). An algorithm developed to predict the effect of missense changes on protein structure and function (PolyPhen-2) suggests that this variant is likely to be disruptive. In summary, the available evidence is currently insufficient to determine the role of this variant in disease. Therefore, it has been classified as a Variant of Uncertain Significance.

Ambry Genetics
Classification: Uncertain significance for Familial thoracic aortic aneurysm and aortic dissection. Last evaluated: 2023-02-16. Review status: criteria provided, single submitter. Criteria: Ambry Variant Classification Scheme 2023. Collection method: clinical testing. Allele origin: germline.
Comment: The p.G1834A variant (also known as c.5501G>C) is located in coding exon 31 of the MYLK gene. The glycine at codon 1834 is replaced by alanine, an amino acid with similar properties. This change occurs in the first base pair of coding exon 31. This amino acid position is conserved. In addition, this alteration is predicted to be deleterious by in silico analysis. Since supporting evidence is limited at this time, the clinical significance of this alteration remains unclear.